The following is an entry in ClinVar:

NM_130839.5(UBE3A):c.2016_2023del (p.Met673fs)

Genes: SNHG14 (small nucleolar RNA host gene 14; plus strand), UBE3A (ubiquitin protein ligase E3A; minus strand). Cytogenetic location: 15q11.2.
Variant type: Deletion.
Coding change: c.2016_2023del on transcript NM_130839.5 (MANE Select); coding-DNA positions 2016 to 2023, 8 bases deleted (CATGATGA; older notation c.2016_2023delCATGATGA).
Protein change: p.Met673fs; shifts the reading frame from methionine 673.
Molecular consequence: frameshift variant. On other transcripts: non-coding transcript variant (1), intron variant (1).
Genome position (GRCh38, 1-based): chr15:25,355,993-25,356,000, TCATCATG deleted on the plus strand (CATGATGA on the coding strand, the reverse complement: UBE3A is on the minus strand); deleting any 8 consecutive bases within chr15:25,355,993-25,356,005 gives the same sequence; the c. name uses the placement nearest the transcript's 3' end. VCF-style (leftmost placement, unchanged base first): chr15-25355992-ATCATCATG-A. GRCh37 (hg19) VCF-style: chr15-25601139-ATCATCATG-A.
Other names: c.2025_2032del, p.Met676fs (NM_000462.5); c.2016_2023del, p.Met673fs (NM_001354505.1, NM_001354538.2, NM_001354545.2); c.1956_1963del, p.Met653fs (NM_001354506.2, NM_001354507.2, NM_001354508.2 and 16 more transcripts); c.1839_1846del, p.Met614fs (NM_001354546.2); c.765_772del, p.Met256fs (NM_001354550.2); c.705_712del, p.Met236fs (NM_001354551.2); c.1899+691_1899+698del (NM_001354549.2); short protein forms M653fs, M256fs, M614fs, M673fs, M236fs, M676fs.
Identifiers: ClinVar variation 155962 (VCV000155962.1), dbSNP rs587781211, ClinGen allele CA333331.

ClinVar aggregate classification (germline): Pathogenic (0 of 4 stars; one submission).

Conditions:
Angelman syndrome (AS). Also called: HAPPY PUPPET SYNDROME. Identifiers: Orphanet 72, MedGen C0162635, MONDO:0007113, OMIM 105830. Disease mechanism: loss of function. Inheritance: AS is caused by disruption of maternally imprinted UBE3A located within the 15q11.2-q13 Angelman syndrome/Prader-Willi syndrome (AS/PWS) region., imprinting disorder.

Submission:

Baylor Genetics
Classification: Pathogenic for Angelman Syndrome. Last evaluated: 2014-02-14. Review status: no assertion criteria provided. Collection method: clinical testing. Allele origin: germline. Affected: yes. Observed: 1 variant allele. Study: UBE3A Mutation Study.
Comment: Data collected from clinical UBE3A sequence analysis results

Literature cited by the submitters: PubMed 25212744.